The following is an entry in ClinVar:

ClinVar aggregate classification (germline): Likely benign. Review status: criteria provided, multiple submitters, no conflicts (2 of 4 stars). 3 submissions from 3 submitters: Likely benign (3). Last evaluated 2025-02-01.

Allele frequency attached by ClinVar (database versions not stated): 1000 Genomes Project 30x 0.00078; 1000 Genomes Project 0.00080; gnomAD 0.00168 and 0.00177; TOPMed 0.00213; ESP Exome Variant Server 0.00244; gnomAD exomes 0.00278; ExAC 0.00279.
gnomAD v4.1: 3,593 of 1,613,860 alleles (0.22%); highest among the groups gnomAD compares: Middle Eastern, 2.1%; 15 homozygotes.

Submissions (3):

CeGaT Center for Human Genetics Tuebingen
Classification: Likely benign. Last evaluated: 2025-02-01. Review status: criteria provided, single submitter. Criteria: CeGaT Center For Human Genetics Tuebingen Variant Classification Criteria Version 2. Collection method: clinical testing. Allele origin: germline. Affected: yes. Observed: 3 variant alleles.
Comment: TNS3: BS2

Labcorp Genetics (formerly Invitae), Labcorp
Classification: Likely benign. Last evaluated: 2019-12-31. Review status: criteria provided, single submitter. Criteria: Invitae Variant Classification Sherloc (09022015). Collection method: clinical testing. Allele origin: germline.

Breakthrough Genomics
Classification: Likely benign. Review status: criteria provided, single submitter. Criteria: ACMG Guidelines, 2015. Collection method: not provided. Allele origin: germline. Inheritance: Unknown mechanism. Affected: yes.

NM_022748.12(TNS3):c.1525C>T (p.Pro509Ser)

Gene: TNS3 (tensin 3; minus strand). Cytogenetic location: 7p12.3.
Variant type: single nucleotide variant.
Coding change: c.1525C>T on transcript NM_022748.12 (MANE Select); coding-DNA position 1525, C replaced by T.
Protein change: p.Pro509Ser; replaces proline 509 with serine.
Molecular consequence: missense variant.
Genome position (GRCh38, 1-based): chr7:47,369,121, G>A on the plus strand (C>T on the coding strand, the complement: TNS3 is on the minus strand). VCF-style: chr7-47369121-G-A. GRCh37 (hg19) VCF-style: chr7-47408718-G-A.
Other names: short protein forms P509S.
Identifiers: ClinVar variation 787667 (VCV000787667.29), dbSNP rs139781998, ClinGen allele CA4250889.
Genomic context (GRCh38, chr7:47,369,121, plus strand): 5'-CGTTGCTGCCAAAACCGTCAGATAGGAGTGAGTTCTGGCTGCTCTTGTGGCAGGTGAAGG[G>A]ACCCAGGTGGGCCGACTGAGGCCCTTCCGAGGAGGACAGGGTCCCAAGGCTGTCCACACT-3'
Protein context (NP_073585.8, residues 499-519): SEGPQSAHLG[Pro509Ser]FTCHKSSQNS